The following is an entry in ClinVar:

ClinVar aggregate classification (germline): Uncertain significance. Review status: criteria provided, multiple submitters, no conflicts (2 of 4 stars). 2 submissions from 2 submitters: Uncertain significance (2). Last evaluated 2026-06-18.

Conditions:
IGF1R-related disorder. Also called: IGF1R-related condition.
Inborn genetic diseases. Identifiers: MedGen C0950123, MeSH D030342.

gnomAD v4.1: 7 of 1,613,944 alleles (0.00043%); highest among the groups gnomAD compares: Non-Finnish European, 0.00059%; no homozygotes.

Submissions (2):

PreventionGenetics, part of Exact Sciences
Classification: Uncertain significance for IGF1R-related condition. Last evaluated: 2026-06-18. Review status: criteria provided, single submitter. Criteria: ACMG Guidelines, 2015. Collection method: clinical testing. Allele origin: germline.
Comment: The IGF1R c.3923C>G variant is predicted to result in the amino acid substitution p.Ser1308Trp. To our knowledge, this variant has not been reported in the literature or in a large population database (gnomAD), indicating this variant is rare. At this time, the clinical significance of this variant is uncertain due to the absence of conclusive functional and genetic evidence.

Ambry Genetics
Classification: Uncertain significance for Inborn genetic diseases. Last evaluated: 2024-04-23. Review status: criteria provided, single submitter. Criteria: Ambry Variant Classification Scheme 2023. Collection method: clinical testing. Allele origin: germline.

NM_000875.5(IGF1R):c.3923C>G (p.Ser1308Trp)

Gene: IGF1R (insulin like growth factor 1 receptor; plus strand). Cytogenetic location: 15q26.3.
Variant type: single nucleotide variant.
Coding change: c.3923C>G on transcript NM_000875.5 (MANE Select); coding-DNA position 3923, C replaced by G.
Protein change: p.Ser1308Trp; replaces serine 1308 with tryptophan.
Molecular consequence: missense variant.
Genome position (GRCh38, 1-based): chr15:98,957,261, C>G. VCF-style: chr15-98957261-C-G. GRCh37 (hg19) VCF-style: chr15-99500490-C-G.
Other names: c.3920C>G, p.Ser1307Trp (NM_001291858.2); c.3923C>G (NM_000875.4); short protein forms S1307W, S1308W.
Identifiers: ClinVar variation 3285492 (VCV003285492.2).